The following is an entry in ClinVar:

NM_014989.7(RIMS1):c.986A>G (p.Asp329Gly)

Gene: RIMS1 (regulating synaptic membrane exocytosis 1; plus strand). Cytogenetic location: 6q13.
Variant type: single nucleotide variant.
Coding change: c.986A>G on transcript NM_014989.7 (MANE Select); coding-DNA position 986, A replaced by G.
Protein change: p.Asp329Gly; replaces aspartic acid 329 with glycine.
Molecular consequence: missense variant.
Genome position (GRCh38, 1-based): chr6:72,182,457, A>G. VCF-style: chr6-72182457-A-G. GRCh37 (hg19) VCF-style: chr6-72892160-A-G.
Other names: short protein forms D329G.
Identifiers: ClinVar variation 1043407 (VCV001043407.8), dbSNP rs1350804216, ClinGen allele CA364819915.

ClinVar aggregate classification (germline): Uncertain significance (1 of 4 stars; one submission).

Allele frequency attached by ClinVar (database versions not stated): gnomAD exomes 0.00001 and 0.00002; gnomAD 0.00005; TOPMed 0.00007.
gnomAD v4.1: 16 of 1,613,630 alleles (0.00099%); highest among the groups gnomAD compares: Admixed American, 0.017%; no homozygotes.

Submission:

Labcorp Genetics (formerly Invitae), Labcorp
Classification: Uncertain significance. Last evaluated: 2024-01-15. Review status: criteria provided, single submitter. Criteria: Invitae Variant Classification Sherloc (09022015). Collection method: clinical testing. Allele origin: germline.
Comment: This sequence change replaces aspartic acid, which is acidic and polar, with glycine, which is neutral and non-polar, at codon 329 of the RIMS1 protein (p.Asp329Gly). This variant is present in population databases (no rsID available, gnomAD 0.009%). This variant has not been reported in the literature in individuals affected with RIMS1-related conditions. ClinVar contains an entry for this variant (Variation ID: 1043407). An algorithm developed to predict the effect of missense changes on protein structure and function (PolyPhen-2) suggests that this variant is likely to be disruptive. In summary, the available evidence is currently insufficient to determine the role of this variant in disease. Therefore, it has been classified as a Variant of Uncertain Significance.